The following is an entry in ClinVar:

NM_003073.5(SMARCB1):c.*82C>T

Gene: SMARCB1 (SWI/SNF related BAF chromatin remodeling complex subunit B1; plus strand). Cytogenetic location: 22q11.23.
Variant type: single nucleotide variant.
Coding change: c.*82C>T on transcript NM_003073.5 (MANE Select); 82 bases downstream of the stop codon, C replaced by T.
Molecular consequence: 3 prime UTR variant.
Genome position (GRCh38, 1-based): chr22:23,834,262, C>T. VCF-style: chr22-23834262-C-T. GRCh37 (hg19) VCF-style: chr22-24176449-C-T.
Other names: c.*82C>T (LRG_520t1, NM_001007468.3, NM_001317946.2 and 1 more transcripts).
Identifiers: ClinVar variation 239481 (VCV000239481.22), dbSNP rs878854600, ClinGen allele CA10583893.

ClinVar aggregate classification (germline): Pathogenic/Likely pathogenic. Review status: criteria provided, multiple submitters, no conflicts (2 of 4 stars). 9 submissions from 9 submitters: Pathogenic (7); Likely pathogenic (1). 1 of the submissions does not count toward it. Last evaluated 2026-01-15.
ClinVar aggregate classification (somatic clinical impact): Tier I - Strong (1 of 4 stars; one submission).

Conditions:
Schwannoma. Identifiers: Orphanet 252164, MedGen C0027809, MONDO:0002546, HP:0100008.
Peripheral schwannoma. Identifiers: MedGen C4024276, HP:0009593.
Coffin-Siris syndrome. Identifiers: Orphanet 1465, MedGen C0265338, MONDO:0015452.
Hereditary cancer-predisposing syndrome. Also called: Neoplastic Syndromes, Hereditary; Hereditary Cancer Syndrome; Tumor predisposition; Hereditary neoplastic syndrome. Identifiers: Orphanet 140162, MedGen C0027672, MeSH D009386, MONDO:0015356.
SMARCB1-related schwannomatosis. Also called: Schwannomatosis 1; SWNTS1. Identifiers: Orphanet 93921, MedGen C4048809, MONDO:0024517, OMIM 162091. Disease mechanism: loss of function.
SMARCB1-related disorder. Also called: SMARCB1-related condition; SMARCB1-related disorders.

gnomAD v4.1: 1 of 1,440,880 alleles (0.000069%); highest among the groups gnomAD compares: South Asian, 0.0012%; no homozygotes.

Submissions (10):

GeneDx
Classification: Pathogenic. Last evaluated: 2026-01-15. Review status: criteria provided, single submitter. Criteria: GeneDx Variant Classification Process June 2021. Collection method: clinical testing. Allele origin: germline. Affected: yes.
Comment: Published functional studies demonstrate a damaging effect: impaired mRNA stability (PMID: 22949514, 34747535); In silico analysis supports a deleterious effect on splicing; No data available from control populations to assess the frequency of this variant; This variant is associated with the following publications: (PMID: 19582488, 22434358, 24933152, 25857641, 27921248, 19320657, 22949514, 39209702, 35446994, 40982468, 29517885, 40794298, 41284083, 34273915, 28365909, 34747535, 25631985, 18647326)

3billion
Classification: Pathogenic for SMARCB1-related schwannomatosis. Last evaluated: 2025-10-21. Review status: criteria provided, single submitter. Criteria: ACMG Guidelines, 2015. Collection method: clinical testing. Allele origin: germline. Affected: yes.
Comment: The variant is observed at an extremely low frequency in the gnomAD v4.1.0 dataset (total allele frequency: <0.001%). Predicted Consequence/Location: 3' UTR variant In silico tools predict the variant to alter splicing and produce an abnormal transcript [SpliceAI: 0.97 (spliceogenicity >=0.2, non-spliceogenicity <0.1)]. The variant has been reported to co-segregate with the disease in at least 7 similarly affected relatives/individuals in at least two unrelated families (PMID: 18647326). The variant has been reported at least twice as pathogenic with clinical assertions and evidence for the classification (ClinVar ID: VCV000239481 /PMID: 18647326 /3billion dataset). Therefore, this variant is classified as Pathogenic according to the recommendation of ACMG/AMP guideline.

Labcorp Genetics (formerly Invitae), Labcorp
Classification: Pathogenic. Last evaluated: 2025-07-22. Review status: criteria provided, single submitter. Criteria: Invitae Variant Classification Sherloc (09022015). Collection method: clinical testing. Allele origin: germline.
Comment: This variant occurs in a non-coding region of the SMARCB1 gene. It does not change the encoded amino acid sequence of the SMARCB1 protein. This variant is not present in population databases (gnomAD no frequency). This variant has been observed in individuals with schwannomatosis (PMID: 18647326, 22434358, 24933152). It has also been observed to segregate with disease in related individuals. ClinVar contains an entry for this variant (Variation ID: 239481). Algorithms developed to predict the effect of variants on gene product structure and function are not available or were not evaluated for this variant. Experimental studies have shown that this variant affects SMARCB1 function (PMID: 22949514). RNA analysis performed to evaluate the impact of this variant on mRNA splicing indicates it does not significantly alter splicing (internal data). For these reasons, this variant has been classified as Pathogenic.

Division of Genetic & Genomic Pathology, Hong Kong Children's Hospital
Classification: Pathogenic for SMARCB1-related schwannomatosis. Last evaluated: 2025-05-19. Review status: criteria provided, single submitter. Criteria: ACMG Guidelines, 2015. Collection method: clinical testing. Allele origin: germline. Affected: yes.
Comment: SMARCB1 c.*82C>T is a missense variant located in the 3' untranslated region (3'UTR) of the SMARCB1 gene. It is present in population genomes and exomes at a very low frequency (gnomAD v4.1.0: only one out of 82,032 alleles in South Asian). The variant is deposited in ClinVar as pathogenic / likely pathogenic (accession: VCV000239481.15). It has been reported in multiple unrelated patients affected by familial and sporadic schwannomatosis (PMID: 18647326, 24933152, 25631985, 34747535) and segregated with disease in related individuals (PMID: 25631985). Functional study showed that the variant resulted in reduced protein expression (PMID: 22949514, 34747535). For these reasons, SMARCB1 c.*82C>T is classified as pathogenic for schwannomatosis.

Institute for Genomic Medicine (IGM) Clinical Laboratory, Nationwide Children's Hospital
Classification: Tier I - Strong for Schwannoma. Assertion type: diagnostic. Clinical significance: supports diagnosis. Last evaluated: 2024-07-17. Review status: criteria provided, single submitter. Criteria: AMP/ASCO/CAP Guidelines, 2017. Collection method: clinical testing. Allele origin: somatic. Affected: yes.
Comment: Variant has Tier I (strong) clinical significance as a diagnostic inclusion criterion in schwannoma, based on the following evidence: 1) Appears in one or more well-established professional guidelines (e.g., World Health Organization [WHO]; National Comprehensive Cancer Network [NCCN]) as providing diagnostic, prognostic, or therapeutic information. 2) Information in the literature supports potential biologic effect of variant (PMID: 22949514). 3) Diagnostic for a specific tumor type/classification based on well-powered studies with expert-level consensus (Evidence Level B; PMIDs: 18072270, 18285426, 22949514, 28368924).

Ambry Genetics
Classification: Pathogenic for Hereditary cancer-predisposing syndrome. Last evaluated: 2023-05-17. Review status: criteria provided, single submitter. Criteria: Ambry Variant Classification Scheme 2023. Collection method: clinical testing. Allele origin: germline.
Comment: The c.*82C>T pathogenic mutation is located in the 3' untranslated region (3&rsquo; UTR) of the SMARCB1 gene. This variant results from a C to T substitution 82 nucleotides downstream of the last translated codon. This variant has been observed in multiple individuals with diagnosed with schwannomatosis (Boyd C et al. Clin Genet, 2008 Oct;74:358-66; Smith MJ et al. Neurogenetics, 2012 May;13:141-5; Smith MJ et al. Cancer Genet, 2014 Sep;207:373-8; Piotrowski A et al. Hum Mutat, 2022 Jan;43:74-84). It has also been reported to segregate with disease in related individuals (Boyd C et al. Clin Genet, 2008 Oct;74:358-66; Asai K et al. Brain Tumor Pathol, 2015 Jul;32:216-20). This alteration is reported to have reduced expression of the SMARCB1 transcript compared to the wild-type (Smith MJ et al. Hum Mol Genet, 2012 Dec;21:5239-45). This variant is considered to be rare based on population cohorts in the Genome Aggregation Database (gnomAD). Based on the supporting evidence, this alteration is pathogenic for SMARCB1-related schwannomatosis and tumor predisposition syndrome; however, the association of this alteration with Coffin-Siris syndrome is unknown.

Blueprint Genetics
Classification: Pathogenic for SMARCB1-related disorders. Last evaluated: 2021-11-18. Review status: criteria provided, single submitter. Criteria: ACMG Guidelines, 2015. Collection method: clinical testing. Allele origin: germline. Affected: yes. Observed: 1 variant allele.

Centre for Mendelian Genomics, University Medical Centre Ljubljana
Classification: Pathogenic for Peripheral schwannoma; Schwannoma. Last evaluated: 2017-01-01. Review status: criteria provided, single submitter. Criteria: ACMG Guidelines, 2015. Collection method: clinical testing. Allele origin: unknown. Affected: yes.

Department of Pathology and Laboratory Medicine, Sinai Health System
Classification: Likely pathogenic for Coffin-Siris syndrome. Review status: criteria provided, single submitter. Criteria: ACMG Guidelines, 2015. Collection method: clinical testing. Allele origin: germline.

GeneReviews
No classification provided. Condition: SMARCB1-related schwannomatosis. Review status: no classification provided. Collection method: literature only. Allele origin: germline. Not counted in ClinVar's aggregate classification.

Literature cited by the submitters: PubMed 18647326 (cited by 4 submitters); PubMed 22434358 (cited by Labcorp Genetics (formerly Invitae), Labcorp and Ambry Genetics); PubMed 24933152 (cited by 3 submitters); PubMed 22949514 (cited by 4 submitters); PubMed 25631985 (cited by Division of Genetic & Genomic Pathology, Hong Kong Children's Hospital and Ambry Genetics); PubMed 34747535 (cited by Division of Genetic & Genomic Pathology, Hong Kong Children's Hospital and Ambry Genetics); PubMed 18072270 (cited by Institute for Genomic Medicine (IGM) Clinical Laboratory, Nationwide Children's Hospital); PubMed 18285426 (cited by Institute for Genomic Medicine (IGM) Clinical Laboratory, Nationwide Children's Hospital); PubMed 28368924 (cited by Institute for Genomic Medicine (IGM) Clinical Laboratory, Nationwide Children's Hospital); NCBI Bookshelf NBK487394 (cited by GeneReviews); PubMed 29517885 (cited by GeneReviews).